The following is an entry in ClinVar:

NM_181552.4(CUX1):c.2664A>G (p.Pro888=)

Gene: CUX1 (cut like homeobox 1; plus strand). Cytogenetic location: 7q22.1.
Variant type: single nucleotide variant.
Coding change: c.2664A>G on transcript NM_181552.4 (MANE Select); coding-DNA position 2664, A replaced by G.
Protein change: p.Pro888=; no amino-acid change (proline 888 retained).
Molecular consequence: synonymous variant. On other transcripts: intron variant (5).
Genome position (GRCh38, 1-based): chr7:102,201,961, A>G. VCF-style: chr7-102201961-A-G. GRCh37 (hg19) VCF-style: chr7-101845241-A-G.
Other names: c.2697A>G, p.Pro899= (NM_001202543.2); c.1255+6358A>G (NM_001913.5); c.1249+6358A>G (NM_181500.4); c.1117+6358A>G (NM_001202545.3); c.1207+6358A>G (NM_001202544.3); c.1138+6358A>G (NM_001202546.3).
Identifiers: ClinVar variation 5041357 (VCV005041357.1).

ClinVar aggregate classification (germline): Likely benign (1 of 4 stars; one submission).

gnomAD v4.1: 3 of 1,613,994 alleles (0.00019%); highest among the groups gnomAD compares: Middle Eastern, 0.016%; no homozygotes.

Submission:

CeGaT Center for Human Genetics Tuebingen
Classification: Likely benign. Last evaluated: 2026-09-01. Review status: criteria provided, single submitter. Criteria: CeGaT Center For Human Genetics Tuebingen Variant Classification Criteria Version 2. Collection method: clinical testing. Allele origin: germline. Affected: yes. Observed: 1 variant allele.
Comment: CUX1: BP4, BP7